The following is an entry in ClinVar:

ClinVar aggregate classification (germline): Uncertain significance (1 of 4 stars; one submission).

Allele frequency attached by ClinVar (database versions not stated): gnomAD exomes 0.00001; ExAC 0.00003; TOPMed 0.00004; gnomAD 0.00005; 1000 Genomes Project 30x 0.00016; 1000 Genomes Project 0.00020.
gnomAD v4.1: 27 of 1,608,360 alleles (0.0017%); highest among the groups gnomAD compares: Middle Eastern, 0.021%; no homozygotes.

Submission:

Labcorp Genetics (formerly Invitae), Labcorp
Classification: Uncertain significance. Last evaluated: 2022-05-13. Review status: criteria provided, single submitter. Criteria: Invitae Variant Classification Sherloc (09022015). Collection method: clinical testing. Allele origin: germline.
Comment: This sequence change replaces proline, which is neutral and non-polar, with leucine, which is neutral and non-polar, at codon 126 of the INPPL1 protein (p.Pro126Leu). This variant is present in population databases (rs528612645, gnomAD 0.006%). This variant has not been reported in the literature in individuals affected with INPPL1-related conditions. Algorithms developed to predict the effect of missense changes on protein structure and function (SIFT, PolyPhen-2, Align-GVGD) all suggest that this variant is likely to be tolerated. In summary, the available evidence is currently insufficient to determine the role of this variant in disease. Therefore, it has been classified as a Variant of Uncertain Significance.

NM_001567.4(INPPL1):c.377C>T (p.Pro126Leu)

Gene: INPPL1 (inositol polyphosphate phosphatase like 1; plus strand). Cytogenetic location: 11q13.4.
Variant type: single nucleotide variant.
Coding change: c.377C>T on transcript NM_001567.4 (MANE Select); coding-DNA position 377, C replaced by T.
Protein change: p.Pro126Leu; replaces proline 126 with leucine.
Molecular consequence: missense variant.
Genome position (GRCh38, 1-based): chr11:72,228,478, C>T. VCF-style: chr11-72228478-C-T. GRCh37 (hg19) VCF-style: chr11-71939522-C-T.
Other names: short protein forms P126L.
Identifiers: ClinVar variation 1980928 (VCV001980928.1), dbSNP rs528612645, ClinGen allele CA6169635.
Genomic context (GRCh38, chr11:72,228,478, plus strand): 5'-ACCAGGGCCTTGTGTGCGCCCTGCTTCTTCCTGTAGAGGGTGAGCGAGAGCCGGACCCAC[C>T]GGATGACCGGGATGCCTCAGGTACTTCCCAGTGTGCAGGTCCCCTCCCTGCCCCTGTCCC-3'
Protein context (NP_001558.3, residues 116-136): PVEGEREPDP[Pro126Leu]DDRDASDGED